The following is an entry in ClinVar:

ClinVar aggregate classification (germline): Uncertain significance (1 of 4 stars; one submission).

Submission:

Labcorp Genetics (formerly Invitae), Labcorp
Classification: Uncertain significance. Last evaluated: 2025-06-27. Review status: criteria provided, single submitter. Criteria: Invitae Variant Classification Sherloc (09022015). Collection method: clinical testing. Allele origin: germline.
Comment: This sequence change replaces alanine, which is neutral and non-polar, with threonine, which is neutral and polar, at codon 392 of the CLCN6 protein (p.Ala392Thr). This variant is present in population databases (rs368324581, gnomAD 0.008%). This variant has not been reported in the literature in individuals affected with CLCN6-related conditions. ClinVar contains an entry for this variant (Variation ID: 3628462). An algorithm developed to predict the effect of missense changes on protein structure and function (PolyPhen-2) suggests that this variant is likely to be tolerated. In summary, the available evidence is currently insufficient to determine the role of this variant in disease. Therefore, it has been classified as a Variant of Uncertain Significance.

NM_001286.5(CLCN6):c.1174G>A (p.Ala392Thr)

Gene: CLCN6 (Cl-/H+ antiporter 6; plus strand). Cytogenetic location: 1p36.22.
Variant type: single nucleotide variant.
Coding change: c.1174G>A on transcript NM_001286.5 (MANE Select); coding-DNA position 1174, G replaced by A.
Protein change: p.Ala392Thr; replaces alanine 392 with threonine.
Molecular consequence: missense variant. On other transcripts: non-coding transcript variant (1).
Genome position (GRCh38, 1-based): chr1:11,829,248, G>A. VCF-style: chr1-11829248-G-A. GRCh37 (hg19) VCF-style: chr1-11889305-G-A.
Other names: c.1108G>A, p.Ala370Thr (NM_001256959.2); short protein forms A370T, A392T.
Identifiers: ClinVar variation 3628462 (VCV003628462.2).